The following is an entry in ClinVar:

NM_001042492.3(NF1):c.4578-3T>A

Gene: NF1 (neurofibromin 1; plus strand). Cytogenetic location: 17q11.2.
Variant type: single nucleotide variant.
Coding change: c.4578-3T>A on transcript NM_001042492.3 (MANE Select); 3 bases into the intron before coding-DNA position 4578, T replaced by A.
Molecular consequence: intron variant.
Genome position (GRCh38, 1-based): chr17:31,261,708, T>A. VCF-style: chr17-31261708-T-A. GRCh37 (hg19) VCF-style: chr17-29588726-T-A.
Other names: c.4515-3T>A (NM_000267.4, NM_000267.3).
Identifiers: ClinVar variation 1048721 (VCV001048721.3), dbSNP rs1597748656, ClinGen allele CA2499224144.

ClinVar aggregate classification (germline): Likely pathogenic. Review status: criteria provided, single submitter (1 of 4 stars). 2 submissions from 2 submitters: Likely pathogenic (1). 1 of the submissions does not count toward it. Last evaluated 2026-06-15.

Conditions:
Cardiovascular phenotype. Identifiers: MedGen CN230736.
Hereditary cancer-predisposing syndrome. Also called: Tumor predisposition; Hereditary Cancer Syndrome; Hereditary neoplastic syndrome; Neoplastic Syndromes, Hereditary. Identifiers: Orphanet 140162, MedGen C0027672, MeSH D009386, MONDO:0015356.
Neurofibromatosis, type 1 (NF1). Also called: VON RECKLINGHAUSEN DISEASE; Peripheral type neurofibromatosis; Neurofibromatosis, type I; NEUROFIBROMATOSIS, TYPE I, SOMATIC. Identifiers: Orphanet 636, MedGen C0027831, MONDO:0018975, OMIM 162200. Disease mechanism: loss of function.

Submissions (2):

Ambry Genetics
Classification: Likely pathogenic for Cardiovascular phenotype; Hereditary cancer-predisposing syndrome. Last evaluated: 2026-06-15. Review status: criteria provided, single submitter. Criteria: Ambry Variant Classification Scheme 2023. Collection method: clinical testing. Allele origin: germline.
Comment: The c.4515-3T>A intronic alteration consists of a T to A substitution 3 nucleotides before coding exon 34 in the NF1 gene. This variant was not reported in population-based cohorts in the Genome Aggregation Database (gnomAD). This variant was determined to be de novo in at least one individual with features consistent with neurofibromatosis type 1 (Tsipi, 2018). This nucleotide position is not well conserved in available vertebrate species. In silico splice site analysis predicts that this alteration will weaken the native splice acceptor site and may result in the creation or strengthening of a novel splice acceptor site. Based on the available evidence, this alteration is classified as likely pathogenic.

Laboratory of Medical Genetics, National & Kapodistrian University of Athens
Classification: Uncertain significance for Neurofibromatosis, type 1. Last evaluated: 2019-01-01. Review status: no assertion criteria provided. Collection method: clinical testing. Allele origin: germline. Affected: yes. Not counted in ClinVar's aggregate classification.

Literature cited by the submitters: PubMed 30308447 (cited by Ambry Genetics).